The following is an entry in ClinVar:

NM_024854.5(PYROXD1):c.1301A>G (p.His434Arg)

Gene: PYROXD1 (pyridine nucleotide-disulphide oxidoreductase domain 1; plus strand). Cytogenetic location: 12p12.1.
Variant type: single nucleotide variant.
Coding change: c.1301A>G on transcript NM_024854.5 (MANE Select); coding-DNA position 1301, A replaced by G.
Protein change: p.His434Arg; replaces histidine 434 with arginine.
Molecular consequence: missense variant.
Genome position (GRCh38, 1-based): chr12:21,468,552, A>G. VCF-style: chr12-21468552-A-G. GRCh37 (hg19) VCF-style: chr12-21621486-A-G.
Other names: c.1088A>G, p.His363Arg (NM_001350912.2); c.524A>G, p.His175Arg (NM_001350913.2); c.1301A>G (NM_024854.3); short protein forms H175R, H434R, H363R.
Identifiers: ClinVar variation 1509797 (VCV001509797.9), dbSNP rs2137295204, ClinGen allele CA384112126.

ClinVar aggregate classification (germline): Uncertain significance. Review status: criteria provided, multiple submitters, no conflicts (2 of 4 stars). 2 submissions from 2 submitters: Uncertain significance (2). Last evaluated 2025-02-18.

Allele frequency attached by ClinVar (database versions not stated): gnomAD exomes below 0.00001.
gnomAD v4.1: 1 of 1,612,892 alleles (0.000062%); highest among the groups gnomAD compares: Non-Finnish European, 0.000085%; no homozygotes.

Submissions (2):

GeneDx
Classification: Uncertain significance. Last evaluated: 2025-02-18. Review status: criteria provided, single submitter. Criteria: GeneDx Variant Classification Process June 2021. Collection method: clinical testing. Allele origin: germline. Affected: yes.
Comment: Not observed at significant frequency in large population cohorts (gnomAD); In silico analysis supports that this missense variant has a deleterious effect on protein structure/function; Has not been previously published as pathogenic or benign to our knowledge

Labcorp Genetics (formerly Invitae), Labcorp
Classification: Uncertain significance. Last evaluated: 2022-11-08. Review status: criteria provided, single submitter. Criteria: Invitae Variant Classification Sherloc (09022015). Collection method: clinical testing. Allele origin: germline.
Comment: In summary, the available evidence is currently insufficient to determine the role of this variant in disease. Therefore, it has been classified as a Variant of Uncertain Significance. Advanced modeling of protein sequence and biophysical properties (such as structural, functional, and spatial information, amino acid conservation, physicochemical variation, residue mobility, and thermodynamic stability) performed at Invitae indicates that this missense variant is not expected to disrupt PYROXD1 protein function. ClinVar contains an entry for this variant (Variation ID: 1509797). This variant has not been reported in the literature in individuals affected with PYROXD1-related conditions. This variant is not present in population databases (gnomAD no frequency). This sequence change replaces histidine, which is basic and polar, with arginine, which is basic and polar, at codon 434 of the PYROXD1 protein (p.His434Arg).